The following is an entry in ClinVar:

ClinVar aggregate classification (germline): Uncertain significance (1 of 4 stars; one submission).

Conditions:
Usher syndrome type 3B. Also called: USHER SYNDROME, TYPE IIIB. Identifiers: MedGen C3281066, MONDO:0013788, OMIM 614504.

Submission:

Labcorp Genetics (formerly Invitae), Labcorp
Classification: Uncertain significance for Usher syndrome type 3B. Last evaluated: 2022-04-12. Review status: criteria provided, single submitter. Criteria: Invitae Variant Classification Sherloc (09022015). Collection method: clinical testing. Allele origin: germline.
Comment: In summary, the available evidence is currently insufficient to determine the role of this variant in disease. Therefore, it has been classified as a Variant of Uncertain Significance. Algorithms developed to predict the effect of missense changes on protein structure and function are either unavailable or do not agree on the potential impact of this missense change (SIFT: "Deleterious"; PolyPhen-2: "Benign"; Align-GVGD: "Class C0"). This variant has not been reported in the literature in individuals affected with HARS-related conditions. This variant is not present in population databases (gnomAD no frequency). This sequence change replaces isoleucine, which is neutral and non-polar, with valine, which is neutral and non-polar, at codon 152 of the HARS protein (p.Ile152Val).

NM_002109.6(HARS1):c.454A>G (p.Ile152Val)

Gene: HARS1 (histidyl-tRNA synthetase 1; minus strand). Cytogenetic location: 5q31.3.
Variant type: single nucleotide variant.
Coding change: c.454A>G on transcript NM_002109.6 (MANE Select); coding-DNA position 454, A replaced by G.
Protein change: p.Ile152Val; replaces isoleucine 152 with valine.
Molecular consequence: missense variant. On other transcripts: intron variant (2).
Genome position (GRCh38, 1-based): chr5:140,679,070, T>C on the plus strand (A>G on the coding strand, the complement: HARS1 is on the minus strand). VCF-style: chr5-140679070-T-C. GRCh37 (hg19) VCF-style: chr5-140058655-T-C.
Other names: c.334A>G, p.Ile112Val (NM_001258040.3, NM_001258042.3); c.454A>G, p.Ile152Val (NM_001258041.3); c.367A>G, p.Ile123Val (NM_001289094.2); c.181-1055A>G (NM_001289093.2); c.301-1055A>G (NM_001289092.2); short protein forms I112V, I123V, I152V.
Identifiers: ClinVar variation 2199050 (VCV002199050.4), dbSNP rs2481266281, ClinGen allele CA361257076.